The following is an entry in ClinVar:

NM_004387.4(NKX2-5):c.697G>C (p.Asp233His)

Gene: NKX2-5 (NK2 homeobox 5; minus strand). Cytogenetic location: 5q35.1.
Variant type: single nucleotide variant.
Coding change: c.697G>C on transcript NM_004387.4 (MANE Select); coding-DNA position 697, G replaced by C.
Protein change: p.Asp233His; replaces aspartic acid 233 with histidine.
Molecular consequence: missense variant. On other transcripts: 3 prime UTR variant (2).
Genome position (GRCh38, 1-based): chr5:173,232,847, C>G on the plus strand (G>C on the coding strand, the complement: NKX2-5 is on the minus strand). VCF-style: chr5-173232847-C-G. GRCh37 (hg19) VCF-style: chr5-172659850-C-G.
Other names: c.*650G>C (NM_001166175.2); c.*496G>C (NM_001166176.2); short protein forms D233H.
Identifiers: ClinVar variation 1756424 (VCV001756424.2), dbSNP rs1222755872, ClinGen allele CA362161342.

ClinVar aggregate classification (germline): Uncertain significance (1 of 4 stars; one submission).

Conditions:
Cardiovascular phenotype. Identifiers: MedGen CN230736.

Submission:

Ambry Genetics
Classification: Uncertain significance for Cardiovascular phenotype. Last evaluated: 2021-04-14. Review status: criteria provided, single submitter. Criteria: Ambry Variant Classification Scheme 2023. Collection method: clinical testing. Allele origin: germline.
Comment: The p.D233H variant (also known as c.697G>C), located in coding exon 2 of the NKX2-5 gene, results from a G to C substitution at nucleotide position 697. The aspartic acid at codon 233 is replaced by histidine, an amino acid with similar properties. This amino acid position is well conserved in available vertebrate species. In addition, the in silico prediction for this alteration is inconclusive. Since supporting evidence is limited at this time, the clinical significance of this alteration remains unclear.